The following is an entry in ClinVar:

ClinVar aggregate classification (germline): Uncertain significance (1 of 4 stars; one submission).

Conditions:
EGFR-related lung cancer (EGFR). Identifiers: MedGen CN130014.

Submission:

Labcorp Genetics (formerly Invitae), Labcorp
Classification: Uncertain significance for EGFR-related lung cancer. Last evaluated: 2023-11-15. Review status: criteria provided, single submitter. Criteria: Invitae Variant Classification Sherloc (09022015). Collection method: clinical testing. Allele origin: germline.
Comment: This sequence change falls in intron 24 of the EGFR gene. It does not directly change the encoded amino acid sequence of the EGFR protein. It affects a nucleotide within the consensus splice site. This variant is not present in population databases (gnomAD no frequency). This variant has not been reported in the literature in individuals affected with EGFR-related conditions. Variants that disrupt the consensus splice site are a relatively common cause of aberrant splicing (PMID: 17576681, 9536098). Algorithms developed to predict the effect of sequence changes on RNA splicing suggest that this variant is not likely to affect RNA splicing. In summary, the available evidence is currently insufficient to determine the role of this variant in disease. Therefore, it has been classified as a Variant of Uncertain Significance.

Literature cited by the submitters: PubMed 17576681; PubMed 9536098.

NM_005228.5(EGFR):c.2946+4C>A

Gene: EGFR (epidermal growth factor receptor; plus strand). Cytogenetic location: 7p11.2.
Variant type: single nucleotide variant.
Coding change: c.2946+4C>A on transcript NM_005228.5 (MANE Select); 4 bases into the intron after coding-DNA position 2946, C replaced by A.
Molecular consequence: intron variant.
Genome position (GRCh38, 1-based): chr7:55,200,417, C>A. VCF-style: chr7-55200417-C-A. GRCh37 (hg19) VCF-style: chr7-55268110-C-A.
Other names: c.2811+4C>A (NM_001346899.2, NM_001346897.2); c.2145+4C>A (NM_001346941.2); c.2946+4C>A (NM_001346898.2); c.2787+4C>A (NM_001346900.2).
Identifiers: ClinVar variation 2696038 (VCV002696038.3), dbSNP rs2128970028, ClinGen allele CA2697557283.